The following is an entry in ClinVar:

NM_004304.5(ALK):c.715G>T (p.Asp239Tyr)

Gene: ALK (ALK receptor tyrosine kinase; minus strand). Cytogenetic location: 2p23.2.
Variant type: single nucleotide variant.
Coding change: c.715G>T on transcript NM_004304.5 (MANE Select); coding-DNA position 715, G replaced by T.
Protein change: p.Asp239Tyr; replaces aspartic acid 239 with tyrosine.
Molecular consequence: missense variant.
Genome position (GRCh38, 1-based): chr2:29,717,650, C>A on the plus strand (G>T on the coding strand, the complement: ALK is on the minus strand). VCF-style: chr2-29717650-C-A. GRCh37 (hg19) VCF-style: chr2-29940516-C-A.
Other names: short protein forms D239Y.
Identifiers: ClinVar variation 1757435 (VCV001757435.6), dbSNP rs2465432722, ClinGen allele CA346587764.
Genomic context (GRCh38, chr2:29,717,650, plus strand): 5'-GATGAGACAGGAAAGGGAAGGAGTCTTTCATTATCCAGGTGAGATTCCATGTAAAATAAT[C>A]AGGAGAAGGAGAAGGCATGTTTGTTGGTGATTCCAAGGAGCTATGACCTGGACATAAAAA-3'
Protein context (NP_004295.2, residues 229-249): SPTNMPSPSP[Asp239Tyr]YFTWNLTWIM

ClinVar aggregate classification (germline): Uncertain significance. Review status: criteria provided, multiple submitters, no conflicts (2 of 4 stars). 3 submissions from 3 submitters: Uncertain significance (3). Last evaluated 2024-04-05.

Conditions:
Hereditary cancer-predisposing syndrome. Also called: Neoplastic Syndromes, Hereditary; Tumor predisposition; Hereditary neoplastic syndrome; Hereditary Cancer Syndrome. Identifiers: Orphanet 140162, MedGen C0027672, MeSH D009386, MONDO:0015356.
Neuroblastoma, susceptibility to, 3. Also called: ALK-Related Neuroblastic Tumor Susceptibility. Identifiers: Orphanet 635, MedGen C2751681, MONDO:0013083, OMIM 613014.

Submissions (3):

Labcorp Genetics (formerly Invitae), Labcorp
Classification: Uncertain significance for Neuroblastoma, susceptibility to, 3. Last evaluated: 2024-04-05. Review status: criteria provided, single submitter. Criteria: Invitae Variant Classification Sherloc (09022015). Collection method: clinical testing. Allele origin: germline.
Comment: This sequence change replaces aspartic acid, which is acidic and polar, with tyrosine, which is neutral and polar, at codon 239 of the ALK protein (p.Asp239Tyr). This variant is not present in population databases (gnomAD no frequency). This variant has not been reported in the literature in individuals affected with ALK-related conditions. ClinVar contains an entry for this variant (Variation ID: 1757435). An algorithm developed to predict the effect of missense changes on protein structure and function (PolyPhen-2) suggests that this variant is likely to be disruptive. In summary, the available evidence is currently insufficient to determine the role of this variant in disease. Therefore, it has been classified as a Variant of Uncertain Significance.

Baylor Genetics
Classification: Uncertain significance for Neuroblastoma, susceptibility to, 3. Last evaluated: 2023-11-29. Review status: criteria provided, single submitter. Criteria: ACMG Guidelines, 2015. Collection method: clinical testing. Allele origin: unknown.

Ambry Genetics
Classification: Uncertain significance for Hereditary cancer-predisposing syndrome. Last evaluated: 2022-08-08. Review status: criteria provided, single submitter. Criteria: Ambry Variant Classification Scheme 2023. Collection method: clinical testing. Allele origin: germline.
Comment: The p.D239Y variant (also known as c.715G>T), located in coding exon 2 of the ALK gene, results from a G to T substitution at nucleotide position 715. The aspartic acid at codon 239 is replaced by tyrosine, an amino acid with highly dissimilar properties. This amino acid position is conserved. In addition, this alteration is predicted to be tolerated by in silico analysis. Since supporting evidence is limited at this time, the clinical significance of this alteration remains unclear.